The following is an entry in ClinVar:

ClinVar aggregate classification (germline): Uncertain significance (1 of 4 stars; one submission).

Conditions:
Hereditary cancer-predisposing syndrome. Also called: Tumor predisposition; Neoplastic Syndromes, Hereditary; Hereditary neoplastic syndrome; Hereditary Cancer Syndrome. Identifiers: Orphanet 140162, MedGen C0027672, MeSH D009386, MONDO:0015356.

Submission:

Ambry Genetics
Classification: Uncertain significance for Hereditary cancer-predisposing syndrome. Last evaluated: 2025-08-27. Review status: criteria provided, single submitter. Criteria: Ambry Variant Classification Scheme 2023. Collection method: clinical testing. Allele origin: germline.
Comment: The p.P411R variant (also known as c.1232C>G), located in coding exon 13 of the MUTYH gene, results from a C to G substitution at nucleotide position 1232. The proline at codon 411 is replaced by arginine, an amino acid with dissimilar properties. This amino acid position is conserved. In addition, this alteration is predicted to be tolerated by in silico analysis. Based on the available evidence, the clinical significance of this variant remains unclear.

NM_001048174.2(MUTYH):c.1148C>G (p.Pro383Arg)

Gene: MUTYH (mutY DNA glycosylase; minus strand). Cytogenetic location: 1p34.1.
Variant type: single nucleotide variant.
Coding change: c.1148C>G on transcript NM_001048174.2 (MANE Select); coding-DNA position 1148, C replaced by G.
Protein change: p.Pro383Arg; replaces proline 383 with arginine.
Molecular consequence: missense variant. On other transcripts: non-coding transcript variant (7).
Genome position (GRCh38, 1-based): chr1:45,331,511, G>C on the plus strand (C>G on the coding strand, the complement: MUTYH is on the minus strand). VCF-style: chr1-45331511-G-C. GRCh37 (hg19) VCF-style: chr1-45797183-G-C.
Other names: c.1148C>G, p.Pro383Arg (NM_001048171.2, NM_001048173.2, NM_001293195.2 and 6 more transcripts); c.1151C>G, p.Pro384Arg (NM_001048172.2, NM_001407086.1, NM_001407071.1 and 1 more transcripts); c.1232C>G, p.Pro411Arg (NM_001128425.2); c.1193C>G, p.Pro398Arg (NM_001293190.2); c.1181C>G, p.Pro394Arg (NM_001293191.2, NM_001407069.1, NM_001407077.1); c.872C>G, p.Pro291Arg (NM_001293192.2, NM_001293196.2, NM_001407091.1); c.1109C>G, p.Pro370Arg (NM_001407079.1); c.1106C>G, p.Pro369Arg (NM_001407080.1); and 5 more; short protein forms P355R, P383R, P384R, P394R, P398R, P268R, P291R, P369R.
Identifiers: ClinVar variation 4113109 (VCV004113109.1).